The following is an entry in ClinVar:

NM_002470.4(MYH3):c.4903C>T (p.Arg1635Cys)

Gene: MYH3 (myosin heavy chain 3; minus strand). Cytogenetic location: 17p13.1.
Variant type: single nucleotide variant.
Coding change: c.4903C>T on transcript NM_002470.4 (MANE Select); coding-DNA position 4903, C replaced by T.
Protein change: p.Arg1635Cys; replaces arginine 1635 with cysteine.
Molecular consequence: missense variant.
Genome position (GRCh38, 1-based): chr17:10,632,529, G>A on the plus strand (C>T on the coding strand, the complement: MYH3 is on the minus strand). VCF-style: chr17-10632529-G-A. GRCh37 (hg19) VCF-style: chr17-10535846-G-A.
Other names: short protein forms R1635C.
Identifiers: ClinVar variation 2727355 (VCV002727355.3), dbSNP rs759990440, ClinGen allele CA8392098.

ClinVar aggregate classification (germline): Uncertain significance (1 of 4 stars; one submission).

Allele frequency attached by ClinVar (database versions not stated): gnomAD 0.00001.
gnomAD v4.1: 19 of 1,614,040 alleles (0.0012%); highest among the groups gnomAD compares: Middle Eastern, 0.016%; no homozygotes.

Submission:

Labcorp Genetics (formerly Invitae), Labcorp
Classification: Uncertain significance. Last evaluated: 2025-06-18. Review status: criteria provided, single submitter. Criteria: Invitae Variant Classification Sherloc (09022015). Collection method: clinical testing. Allele origin: germline.
Comment: This sequence change replaces arginine, which is basic and polar, with cysteine, which is neutral and slightly polar, at codon 1635 of the MYH3 protein (p.Arg1635Cys). This variant is present in population databases (rs759990440, gnomAD 0.01%). This variant has not been reported in the literature in individuals affected with MYH3-related conditions. ClinVar contains an entry for this variant (Variation ID: 2727355). Invitae Evidence Modeling of protein sequence and biophysical properties (such as structural, functional, and spatial information, amino acid conservation, physicochemical variation, residue mobility, and thermodynamic stability) indicates that this missense variant is not expected to disrupt MYH3 protein function with a negative predictive value of 95%. In summary, the available evidence is currently insufficient to determine the role of this variant in disease. Therefore, it has been classified as a Variant of Uncertain Significance.